The following is an entry in ClinVar:

ClinVar aggregate classification (germline): Uncertain significance. Review status: criteria provided, single submitter (1 of 4 stars). 2 submissions from 2 submitters: Uncertain significance (1). 1 of the submissions does not count toward it. Last evaluated 2022-06-14.

Conditions:
Glycine encephalopathy. Also called: Non-ketotic hyperglycinemia; Nonketotic hyperglycinemia. Identifiers: Orphanet 407, MedGen C0751748, MONDO:0011612, HP:0008288.

Allele frequency attached by ClinVar (database versions not stated): TOPMed 0.00002; gnomAD 0.00004.
gnomAD v4.1: 107 of 1,613,954 alleles (0.0066%); highest among the groups gnomAD compares: Non-Finnish European, 0.0087%; no homozygotes.

Submissions (2):

Labcorp Genetics (formerly Invitae), Labcorp
Classification: Uncertain significance for Glycine encephalopathy. Last evaluated: 2022-06-14. Review status: criteria provided, single submitter. Criteria: Invitae Variant Classification Sherloc (09022015). Collection method: clinical testing. Allele origin: germline.
Comment: This sequence change replaces valine, which is neutral and non-polar, with leucine, which is neutral and non-polar, at codon 50 of the AMT protein (p.Val50Leu). This variant is present in population databases (rs148917929, gnomAD 0.02%). This variant has not been reported in the literature in individuals affected with AMT-related conditions. ClinVar contains an entry for this variant (Variation ID: 971783). Algorithms developed to predict the effect of missense changes on protein structure and function are either unavailable or do not agree on the potential impact of this missense change (SIFT: "Deleterious"; PolyPhen-2: "Possibly Damaging"; Align-GVGD: "Class C0"). In summary, the available evidence is currently insufficient to determine the role of this variant in disease. Therefore, it has been classified as a Variant of Uncertain Significance.

Natera, Inc.
Classification: Uncertain significance for Non-ketotic hyperglycinemia. Last evaluated: 2020-10-16. Review status: no assertion criteria provided. Collection method: clinical testing. Allele origin: germline. Not counted in ClinVar's aggregate classification.

NM_000481.4(AMT):c.148G>C (p.Val50Leu)

Gene: AMT (aminomethyltransferase; minus strand). Cytogenetic location: 3p21.31.
Variant type: single nucleotide variant.
Coding change: c.148G>C on transcript NM_000481.4 (MANE Select); coding-DNA position 148, G replaced by C.
Protein change: p.Val50Leu; replaces valine 50 with leucine.
Molecular consequence: missense variant. On other transcripts: non-coding transcript variant (1), intron variant (1).
Genome position (GRCh38, 1-based): chr3:49,422,214, C>G on the plus strand (G>C on the coding strand, the complement: AMT is on the minus strand). VCF-style: chr3-49422214-C-G. GRCh37 (hg19) VCF-style: chr3-49459647-C-G.
Other names: c.148G>C, p.Val50Leu (NM_001164710.2, NM_001164712.2); c.90+147G>C (NM_001164711.2); short protein forms V50L.
Identifiers: ClinVar variation 971783 (VCV000971783.6), dbSNP rs148917929, ClinGen allele CA2398465.